The following is an entry in ClinVar:

ClinVar aggregate classification (germline): Conflicting classifications of pathogenicity. Review status: criteria provided, conflicting classifications (1 of 4 stars). 6 submissions from 6 submitters: Uncertain significance (3); Likely benign (2). 1 of the submissions does not count toward it. Last evaluated 2025-12-13.

Conditions:
Hereditary cancer-predisposing syndrome. Also called: Tumor predisposition; Neoplastic Syndromes, Hereditary; Hereditary Cancer Syndrome; Hereditary neoplastic syndrome. Identifiers: Orphanet 140162, MedGen C0027672, MeSH D009386, MONDO:0015356.
Hereditary breast ovarian cancer syndrome. Also called: Hereditary breast and ovarian cancer syndrome (HBOC); Hereditary breast and ovarian cancer syndrome; Hereditary breast and ovarian cancer; Hereditary breast and/or ovarian cancer syndrome; Breast and ovarian cancer; BRCA1- and BRCA2-Associated Hereditary Breast and Ovarian Cancer. Identifiers: Orphanet 145, MedGen C0677776, MeSH D061325, MONDO:0003582. Disease mechanism: loss of function.
Breast-ovarian cancer, familial, susceptibility to, 1 (BROVCA1). Also called: OVARIAN CANCER, SUSCEPTIBILITY TO; BRCA1 Hereditary Breast and Ovarian Cancer. Identifiers: Orphanet 145, MedGen C2676676, MONDO:0011450, OMIM 604370. Disease mechanism: loss of function.

Submissions (7):

Labcorp Genetics (formerly Invitae), Labcorp
Classification: Uncertain significance for Hereditary breast ovarian cancer syndrome. Last evaluated: 2025-12-13. Review status: criteria provided, single submitter. Criteria: Invitae Variant Classification Sherloc (09022015). Collection method: clinical testing. Allele origin: germline.
Comment: This sequence change replaces lysine, which is basic and polar, with asparagine, which is neutral and polar, at codon 38 of the BRCA1 protein (p.Lys38Asn). This variant is not present in population databases (gnomAD no frequency). This variant has not been reported in the literature in individuals affected with BRCA1-related conditions. ClinVar contains an entry for this variant (Variation ID: 54147). Invitae Evidence Modeling incorporating data from in vitro experimental studies (PMID: 30209399) indicates that this missense variant is not expected to disrupt BRCA1 function with a negative predictive value of 95%. Experimental studies have shown that this missense change does not substantially affect BRCA1 function (PMID: 16403807, 30209399). In summary, the available evidence is currently insufficient to determine the role of this variant in disease. Therefore, it has been classified as a Variant of Uncertain Significance.

Molecular Diagnostics Laboratory, Catalan Institute of Oncology
Classification: Likely benign for Hereditary cancer-predisposing syndrome. Last evaluated: 2025-04-23. Review status: criteria provided, single submitter. Criteria: ClinGen BRCA1BRCA2 ACMG Specifications BRCA1 V1.0.0. Collection method: clinical testing. Allele origin: germline.
Comment: PM2_Supporting, BS3, BP4 c.114G>T, located in a (potentially) clinically important functional domain of BRCA1, is predicted to result in the substitution of Lysine by Asparagine at codon 38, p.(Lys38Asn). The SpliceAI algorithm predicts no significant impact on splicing and the BayesDel_noAF predictor score for this variant (-0,148) suggests that it does not affect the protein function (BP4). It is not present in the population database gnomAD v2.1.1, non cancer dataset (PM2_supporting). It has been reported by one calibrated study to affect protein function similar to benign control variants (PMID:30209399) (BS3). To our knowledge, neither relevant clinical data nor multifactorial analysis have been reported for this variant. In addition, it has been identified in the ClinVar (2x Uncertain Significance; 1x Likely benign), LOVD (1x NA) and BRCA Exchange (not yet reviewed) databases. Based on the currently available information, c.114G>T is classified as a likely benign variant according to ClinGen-BRCA1 Guidelines version 1.

GeneDx
Classification: Uncertain significance. Last evaluated: 2025-02-21. Review status: criteria provided, single submitter. Criteria: GeneDx Variant Classification Process June 2021. Collection method: clinical testing. Allele origin: germline. Affected: yes.
Comment: Not observed at significant frequency in large population cohorts (gnomAD); In silico analysis supports that this missense variant has a deleterious effect on protein structure/function; Also known as 233G>T; This variant is associated with the following publications: (PMID: 15235020, 16267036, 34793697, Sabitha2016[Computational], 20104584, 24389207, 16403807, 25823446, 30209399)

Lupski Lab, Baylor-Hopkins CMG, Baylor College of Medicine
Classification: Likely benign for Breast-ovarian cancer, familial, susceptibility to, 1. Last evaluated: 2024-04-12. Review status: criteria provided, single submitter. Criteria: Dawood et al. (medRxiv. 2024). Collection method: curation. Allele origin: germline.
Comment: Each variant was annotated with functional scores from MAVE data which was translated into functional evidence codes. All other evidence codes and combining criteria were adhered to as closely as possible based on the ClinGen VCEP (Variant Curation Expert Panel) gene-specific recommendations. See Supplemental Figure 34 of final paper (Supp Fig. 28 in preprint: doi:10.1101/2024.04.11.24305690) for a table to see which lines of evidence we did not have data for. The ClinGen VCEPs are highly regarded as the gold-standard for gene-specific variant curation and are developed after extensive evaluation of the evidence by clinical and scientific experts for the particular gene to classify genomic variants on a spectrum from pathogenic to benign using the 2015 ACMG/AMP Variant Interpretation Guidelines as a backbone (PMID: 25741868). Reclassification of these VUS variants from gnomAD or All of Us focused only on variants originally prescribed as VUS in ClinVar. To ensure reproducibility, transparency, and increased throughput, all the procedures for annotating variants and assigning evidence codes were codified using Python. All code has been made freely available and is linked in the Code Availability section and all reclassified variants with evidence codes used can be found in Tables S18-19 (preprint: doi:10.1101/2024.04.11.24305690). For the MAVE data, the clinical curation and clinical strength assignment as per the ClinGen recommendations in Brnich et al. (2020) (PMID: 31892348) for or against pathogenicity or benignity of each of these MAVE datasets utilized in this study were previously published in Fayer et al. (2021) (PMID: 34793697).In brief, for BRCA1 variants, if a variant was categorized as FUNC (functional), it was assigned BS3 evidence and no PS3 evidence, whereas if it was categorized as LOF (loss of function), the variant was assigned PS3 evidence and no BS3 evidence. Variants categorized as INT (intermediate) were left unannotated. For the BRCA1 combining criteria, greater than or equal to 1 criteria of strong benign evidence was enough to reclassify the VUS as Likely Benign. This variant GRCh38:17:43115746:C>A was assigned evidence codes ['BS3', 'BP4'] and an overall classification of Likely benign

Women's Health and Genetics/Laboratory Corporation of America, LabCorp
Classification: Uncertain significance. Last evaluated: 2016-06-17. Review status: criteria provided, single submitter. Criteria: LabCorp Variant Classification Summary - May 2015. Collection method: clinical testing. Allele origin: germline.
Comment: Variant summary: The BRCA1 c.114G>T (p.Lys38Asn) variant involves the alteration of a conserved Lys residue located in the central RING motif of BRCA. 3/3 in silico tools predict a damaging outcome for this variant. This variant is absent in 113602 control chromosomes and to our knowledge, it was not reported in HBOC patients via publications either. Functional studies demonstrated the variant not to have an impact on BARD1 and UbcH5a binding and to retain E3 ligase and HDR activity of BRCA1 indicating neutrality. Additionally, the variant was reported in the BIC database to co-occur with a pathogenic BRCA2 variant in one individual further suggesting it to be in the benign spectrum. Considering all evidence, the variant was classified as a VUS-possibly benign until more information becomes available.

Breast Cancer Information Core (BIC) (BRCA1)
Classification: Uncertain significance for Breast-ovarian cancer, familial 1. Last evaluated: 2001-10-29. Review status: no assertion criteria provided. Collection method: clinical testing. Allele origin: germline. Affected: yes. Observed: 1 variant allele. Not counted in ClinVar's aggregate classification.

Brotman Baty Institute, University of Washington
No classification provided (evidence only). Condition: Breast-ovarian cancer, familial 1. Review status: no classification provided. Collection method: in vitro. Allele origin: not applicable. Functional consequence: functionally_normal. Not counted in ClinVar's aggregate classification.
ClinVar note: "not provided" was previously submitted as the classification for the variant. However, the classification appeared to be based only on an observation of functional data so it was converted to no classification on 2025-07-30.

Literature cited by the submitters: PubMed 30209399 (cited by Labcorp Genetics (formerly Invitae), Labcorp); PubMed 16403807 (cited by Labcorp Genetics (formerly Invitae), Labcorp and Women's Health and Genetics/Laboratory Corporation of America, LabCorp); PubMed 39142283 (cited by Lupski Lab, Baylor-Hopkins CMG, Baylor College of Medicine); PubMed 34793697 (cited by Lupski Lab, Baylor-Hopkins CMG, Baylor College of Medicine); DOI 10.1101/2024.04.11.24305690 (cited by Lupski Lab, Baylor-Hopkins CMG, Baylor College of Medicine); PubMed 15235020 (cited by Women's Health and Genetics/Laboratory Corporation of America, LabCorp); PubMed 25823446 (cited by Women's Health and Genetics/Laboratory Corporation of America, LabCorp).

NM_007294.4(BRCA1):c.114G>T (p.Lys38Asn)

Gene: BRCA1 (BRCA1 DNA repair associated; minus strand). Cytogenetic location: 17q21.31.
Variant type: single nucleotide variant.
Coding change: c.114G>T on transcript NM_007294.4 (MANE Select); coding-DNA position 114, G replaced by T.
Protein change: p.Lys38Asn; replaces lysine 38 with asparagine.
Molecular consequence: missense variant. On other transcripts: non-coding transcript variant (1), intron variant (1).
Genome position (GRCh38, 1-based): chr17:43,115,746, C>A on the plus strand (G>T on the coding strand, the complement: BRCA1 is on the minus strand). VCF-style: chr17-43115746-C-A. GRCh37 (hg19) VCF-style: chr17-41267763-C-A.
Other names: c.-75G>T (NM_001407571.1, NM_001407853.1, NM_001407879.1 and 52 more transcripts); c.114G>T, p.Lys38Asn (NM_001407581.1, NM_001407582.1, NM_001407583.1 and 192 more transcripts); c.-144G>T (NM_001407694.1, NM_001407696.1, NM_001407724.1 and 13 more transcripts); c.-148G>T (NM_001407695.1, NM_001408465.1); c.-28G>T (NM_001407697.1, NM_001407725.1, NM_001407728.1 and 47 more transcripts); c.-24G>T (NM_001407841.1); c.-191G>T (NM_001407889.1, NM_001407900.1, NM_001408492.1); c.-190G>T (NM_001407960.1, NM_001407962.1, NM_001408510.1 and 1 more transcripts); and 2 more; short protein forms K38N.
Identifiers: ClinVar variation 54147 (VCV000054147.9), dbSNP rs1800062, ClinGen allele CA000763.
Genomic context (GRCh38, chr17:43,115,746, plus strand): 5'-AAAAGCTAATAATGGAGCCACATAACACATTCAAACTTACTTGCAAAATATGTGGTCACA[C>A]TTTGTGGAGACAGGTTCCTTGATCAACTCCAGACTAGCAGGGTAGGGGGGGAGAAAAAGA-3'
Protein context (NP_009225.1, residues 28-48): LELIKEPVST[Lys38Asn]CDHIFCKFCM